The following is an entry in ClinVar:

NM_002700.3(POU4F3):c.35T>C (p.Met12Thr)

Genes: POU4F3 (POU class 4 homeobox 3; plus strand), RBM27-POU4F3 (RBM27-POU4F3 readthrough; plus strand). Cytogenetic location: 5q32.
Variant type: single nucleotide variant.
Coding change: c.35T>C on transcript NM_002700.3 (MANE Select); coding-DNA position 35, T replaced by C.
Protein change: p.Met12Thr; replaces methionine 12 with threonine.
Molecular consequence: missense variant.
Genome position (GRCh38, 1-based): chr5:146,339,147, T>C. VCF-style: chr5-146339147-T-C. GRCh37 (hg19) VCF-style: chr5-145718710-T-C.
Other names: short protein forms M12T.
Identifiers: ClinVar variation 1508552 (VCV001508552.6), dbSNP rs754511880, ClinGen allele CA3491017.

ClinVar aggregate classification (germline): Uncertain significance (1 of 4 stars; one submission).

Allele frequency attached by ClinVar (database versions not stated): gnomAD exomes below 0.00001 and 0.00001; ExAC 0.00001; gnomAD 0.00001; TOPMed 0.00002.

Submission:

Labcorp Genetics (formerly Invitae), Labcorp
Classification: Uncertain significance. Last evaluated: 2024-04-17. Review status: criteria provided, single submitter. Criteria: Invitae Variant Classification Sherloc (09022015). Collection method: clinical testing. Allele origin: germline.
Comment: This sequence change replaces methionine, which is neutral and non-polar, with threonine, which is neutral and polar, at codon 12 of the POU4F3 protein (p.Met12Thr). This variant is present in population databases (rs754511880, gnomAD 0.003%). This variant has not been reported in the literature in individuals affected with POU4F3-related conditions. ClinVar contains an entry for this variant (Variation ID: 1508552). An algorithm developed to predict the effect of missense changes on protein structure and function (PolyPhen-2) suggests that this variant is likely to be tolerated. In summary, the available evidence is currently insufficient to determine the role of this variant in disease. Therefore, it has been classified as a Variant of Uncertain Significance.